The following is an entry in ClinVar:

NM_000719.7(CACNA1C):c.2464A>T (p.Asn822Tyr)

Gene: CACNA1C (calcium voltage-gated channel subunit alpha1 C; plus strand). Cytogenetic location: 12p13.33.
Variant type: single nucleotide variant.
Coding change: c.2464A>T on transcript NM_000719.7 (MANE Select); coding-DNA position 2464, A replaced by T.
Protein change: p.Asn822Tyr; replaces asparagine 822 with tyrosine.
Molecular consequence: missense variant.
Genome position (GRCh38, 1-based): chr12:2,585,838, A>T. VCF-style: chr12-2585838-A-T. GRCh37 (hg19) VCF-style: chr12-2695004-A-T.
Other names: c.2464A>T, p.Asn822Tyr (NM_001129827.2, NM_001129829.2, NM_001129830.3 and 18 more transcripts); c.2455A>T, p.Asn819Tyr (NM_001129844.2); short protein forms N822Y, N819Y.
Identifiers: ClinVar variation 1791670 (VCV001791670.2), dbSNP rs2515527892, ClinGen allele CA383371886.

ClinVar aggregate classification (germline): Uncertain significance (1 of 4 stars; one submission).

Conditions:
Cardiovascular phenotype. Identifiers: MedGen CN230736.

Submission:

Ambry Genetics
Classification: Uncertain significance for Cardiovascular phenotype. Last evaluated: 2019-11-20. Review status: criteria provided, single submitter. Criteria: Ambry Variant Classification Scheme 2023. Collection method: clinical testing. Allele origin: germline.
Comment: The p.N822Y variant (also known as c.2464A>T), located in coding exon 18 of the CACNA1C gene, results from an A to T substitution at nucleotide position 2464. The asparagine at codon 822 is replaced by tyrosine, an amino acid with dissimilar properties. This amino acid position is not well conserved in available vertebrate species. In addition, the in silico prediction for this alteration is inconclusive. Since supporting evidence is limited at this time, the clinical significance of this alteration remains unclear.